The following is an entry in ClinVar:

NM_000535.7(PMS2):c.988+2T>C

Gene: PMS2 (PMS1 homolog 2, mismatch repair system component; minus strand). Cytogenetic location: 7p22.1.
Variant type: single nucleotide variant.
Coding change: c.988+2T>C on transcript NM_000535.7 (MANE Select); the canonical splice donor site of the intron after coding-DNA position 988, T replaced by C.
Molecular consequence: splice donor variant. On other transcripts: intron variant (1).
Genome position (GRCh38, 1-based): chr7:5,991,971, A>G on the plus strand (T>C on the coding strand, the complement: PMS2 is on the minus strand). VCF-style: chr7-5991971-A-G. GRCh37 (hg19) VCF-style: chr7-6031602-A-G.
Other names: c.670+2T>C (NM_001322008.2, NM_001406902.1, NM_001406883.1 and 4 more transcripts); c.679+2T>C (NM_001406881.1, NM_001406879.1, NM_001322015.2 and 6 more transcripts); c.583+2T>C (NM_001406895.1, NM_001322010.2, NM_001322004.2 and 19 more transcripts); c.217+2T>C (NM_001406911.1); c.475+2T>C (NM_001406904.1, NM_001406905.1); c.415+2T>C (NM_001322013.2, NM_001406909.1); c.55+2T>C (NM_001322012.2, NM_001322011.2); c.652+2T>C (NM_001406885.1); and 8 more.
Identifiers: ClinVar variation 1768486 (VCV001768486.4), dbSNP rs2128754913, ClinGen allele CA366743050.

ClinVar aggregate classification (germline): Likely pathogenic. Review status: criteria provided, multiple submitters, no conflicts (2 of 4 stars). 3 submissions from 3 submitters: Likely pathogenic (3). Last evaluated 2024-02-05.

Conditions:
Hereditary cancer-predisposing syndrome. Also called: Hereditary Cancer Syndrome; Hereditary neoplastic syndrome; Neoplastic Syndromes, Hereditary; Tumor predisposition. Identifiers: Orphanet 140162, MedGen C0027672, MeSH D009386, MONDO:0015356.
Lynch syndrome. Identifiers: Orphanet 144, MedGen C4552100, MONDO:0005835. Disease mechanism: loss of function.

Submissions (3):

All of Us Research Program, National Institutes of Health
Classification: Likely pathogenic for Lynch syndrome. Last evaluated: 2024-02-05. Review status: criteria provided, single submitter. Criteria: ACMG Guidelines, 2015. Collection method: clinical testing. Allele origin: germline. Inheritance: Autosomal dominant inheritance. Observed: 1 variant allele, 1 heterozygote.
Comment: This variant causes a T to C nucleotide substitution at the +2 position of intron 9 of the PMS2 gene. Splice site prediction tools predict that this variant may have a significant impact on RNA splicing. Although functional studies have not been reported for this variant, it is expected to result in an absent or non-functional protein product. To our knowledge, this variant has not been reported in individuals affected with PMS2-related disorders in the literature. This variant has not been identified in the general population by the Genome Aggregation Database (gnomAD). Different variants affecting the same +1/2 canonical splice donor site, c.988+1G>C and c.988+1G>T, are known to be disease-causing (ClinVar variation ID: 1499988, 968704). Loss of PMS2 function is a known mechanism of disease. Based on the available evidence, this variant is classified as Likely Pathogenic.

This study involves interpretation of variants in research participants for the purpose of population health screening. Participant phenotype was not available at the time of variant classification. Additional details can be found in publication PMID: 35346344, PMCID: PMC8962531

Color Diagnostics, LLC DBA Color Health
Classification: Likely pathogenic for Hereditary cancer-predisposing syndrome. Last evaluated: 2023-11-22. Review status: criteria provided, single submitter. Criteria: ACMG Guidelines, 2015. Collection method: clinical testing. Allele origin: germline.
Comment: This variant causes a T to C nucleotide substitution at the +2 position of intron 9 of the PMS2 gene. Splice site prediction tools predict that this variant may have a significant impact on RNA splicing. Although functional studies have not been reported for this variant, it is expected to result in an absent or non-functional protein product. To our knowledge, this variant has not been reported in individuals affected with PMS2-related disorders in the literature. This variant has not been identified in the general population by the Genome Aggregation Database (gnomAD). Different variants affecting the same +1/2 canonical splice donor site, c.988+1G>C and c.988+1G>T, are known to be disease-causing (ClinVar variation ID: 1499988, 968704). Loss of PMS2 function is a known mechanism of disease. Based on the available evidence, this variant is classified as Likely Pathogenic.

Ambry Genetics
Classification: Likely pathogenic for Hereditary cancer-predisposing syndrome. Last evaluated: 2019-07-11. Review status: criteria provided, single submitter. Criteria: Ambry Variant Classification Scheme 2023. Collection method: clinical testing. Allele origin: germline.
Comment: The c.988+2T>C intronic variant results from a T to C substitution two nucleotides after coding exon 9 in the PMS2 gene. This nucleotide position is highly conserved in available vertebrate species. This variant was not reported in population-based cohorts in the Genome Aggregation Database (gnomAD). Using two different splice site prediction tools, this alteration is predicted by BDGP to abolish the native splice donor site, but is predicted to weaken (but not abolish) the efficiency of the native splice donor site by ESEfinder; however, direct evidence is unavailable. Based on the majority of available evidence to date, this variant is likely to be pathogenic.